The following is an entry in ClinVar:

NM_144599.5(NIPA1):c.727G>C (p.Val243Leu)

Gene: NIPA1 (NIPA magnesium transporter 1; plus strand). Cytogenetic location: 15q11.2.
Variant type: single nucleotide variant.
Coding change: c.727G>C on transcript NM_144599.5 (MANE Select); coding-DNA position 727, G replaced by C.
Protein change: p.Val243Leu; replaces valine 243 with leucine.
Molecular consequence: missense variant.
Genome position (GRCh38, 1-based): chr15:22,823,976, G>C. VCF-style: chr15-22823976-G-C. GRCh37 (hg19) VCF-style: chr15-23049092-C-G.
Other names: c.502G>C, p.Val168Leu (NM_001142275.1); short protein forms V243L, V168L.
Identifiers: ClinVar variation 1346042 (VCV001346042.9), dbSNP rs775960315, ClinGen allele CA267606379.

ClinVar aggregate classification (germline): Uncertain significance. Review status: criteria provided, multiple submitters, no conflicts (2 of 4 stars). 2 submissions from 2 submitters: Uncertain significance (2). Last evaluated 2024-04-02.

Conditions:
Hereditary spastic paraplegia 6 (SPG6). Also called: SPASTIC PARAPLEGIA 6, AUTOSOMAL DOMINANT. Identifiers: Orphanet 100988, MedGen C1838192, MONDO:0010878, OMIM 600363.

Allele frequency attached by ClinVar (database versions not stated): gnomAD 0.00001; TOPMed 0.00001.
gnomAD v4.1: 17 of 1,614,056 alleles (0.0011%); highest among the groups gnomAD compares: Non-Finnish European, 0.0014%; no homozygotes.

Submissions (2):

Blueprint Genetics
Classification: Uncertain significance. Last evaluated: 2024-04-02. Review status: criteria provided, single submitter. Criteria: ACMG Guidelines, 2015. Collection method: clinical testing. Allele origin: germline.

Labcorp Genetics (formerly Invitae), Labcorp
Classification: Uncertain significance for Hereditary spastic paraplegia 6. Last evaluated: 2022-03-02. Review status: criteria provided, single submitter. Criteria: Invitae Variant Classification Sherloc (09022015). Collection method: clinical testing. Allele origin: germline.
Comment: This variant has not been reported in the literature in individuals affected with NIPA1-related conditions. In summary, the available evidence is currently insufficient to determine the role of this variant in disease. Therefore, it has been classified as a Variant of Uncertain Significance. Algorithms developed to predict the effect of missense changes on protein structure and function (SIFT, PolyPhen-2, Align-GVGD) all suggest that this variant is likely to be tolerated. This variant is not present in population databases (gnomAD no frequency). This sequence change replaces valine, which is neutral and non-polar, with leucine, which is neutral and non-polar, at codon 243 of the NIPA1 protein (p.Val243Leu).